The following is an entry in ClinVar:

ClinVar aggregate classification (germline): Uncertain significance. Review status: criteria provided, single submitter (1 of 4 stars). 2 submissions from 2 submitters: Uncertain significance (1). 1 of the submissions does not count toward it. Last evaluated 2021-12-25.

Conditions:
KCNMA1-related disorder. Also called: KCNMA1-related disorders; KCNMA1-related condition.
Generalized epilepsy-paroxysmal dyskinesia syndrome (PNKD3). Also called: Paroxysmal nonkinesigenic dyskinesia, 3, with or without generalized epilepsy; Generalized epilepsy and paroxysmal dyskinesia. Identifiers: Orphanet 79137, MedGen C5574945, MONDO:0012276, OMIM 609446.

Allele frequency attached by ClinVar (database versions not stated): gnomAD exomes below 0.00001; TOPMed 0.00001.
gnomAD v4.1: 3 of 1,526,764 alleles (0.0002%); highest among the groups gnomAD compares: Non-Finnish European, 0.00018%; no homozygotes.

Submissions (2):

Labcorp Genetics (formerly Invitae), Labcorp
Classification: Uncertain significance for Generalized epilepsy-paroxysmal dyskinesia syndrome. Last evaluated: 2021-12-25. Review status: criteria provided, single submitter. Criteria: Invitae Variant Classification Sherloc (09022015). Collection method: clinical testing. Allele origin: germline.
Comment: In summary, the available evidence is currently insufficient to determine the role of this variant in disease. Therefore, it has been classified as a Variant of Uncertain Significance. Algorithms developed to predict the effect of missense changes on protein structure and function are either unavailable or do not agree on the potential impact of this missense change (SIFT: "Deleterious"; PolyPhen-2: "Not Available"; Align-GVGD: "Class C0"). This variant has not been reported in the literature in individuals affected with KCNMA1-related conditions. The frequency data for this variant in the population databases is considered unreliable, as metrics indicate poor data quality at this position in the gnomAD database. This sequence change replaces glycine, which is neutral and non-polar, with serine, which is neutral and polar, at codon 16 of the KCNMA1 protein (p.Gly16Ser).

PreventionGenetics, part of Exact Sciences
Classification: Uncertain significance for KCNMA1-related condition. Last evaluated: 2024-07-27. Review status: no assertion criteria provided. Collection method: clinical testing. Allele origin: germline. Not counted in ClinVar's aggregate classification.
Comment: The KCNMA1 c.46G>A variant is predicted to result in the amino acid substitution p.Gly16Ser. To our knowledge, this variant has not been reported in the literature. This variant is reported in 0.0021% of alleles in individuals of European (Non-Finnish) descent in gnomAD. At this time, the clinical significance of this variant is uncertain due to the absence of conclusive functional and genetic evidence.

NM_001161352.2(KCNMA1):c.46G>A (p.Gly16Ser)

Gene: KCNMA1 (potassium calcium-activated channel subfamily M alpha 1; minus strand). Cytogenetic location: 10q22.3.
Variant type: single nucleotide variant.
Coding change: c.46G>A on transcript NM_001161352.2 (MANE Select); coding-DNA position 46, G replaced by A.
Protein change: p.Gly16Ser; replaces glycine 16 with serine.
Molecular consequence: missense variant.
Genome position (GRCh38, 1-based): chr10:77,637,597, C>T on the plus strand (G>A on the coding strand, the complement: KCNMA1 is on the minus strand). VCF-style: chr10-77637597-C-T. GRCh37 (hg19) VCF-style: chr10-79397355-C-T.
Other names: c.46G>A, p.Gly16Ser (NM_001014797.3, NM_001161353.2, NM_001271518.2 and 13 more transcripts); c.46G>A (NM_002247.3); short protein forms G16S.
Identifiers: ClinVar variation 2055775 (VCV002055775.5), dbSNP rs1568035847, ClinGen allele CA377412880.